The following is an entry in ClinVar:

ClinVar aggregate classification (germline): Likely benign. Review status: criteria provided, multiple submitters, no conflicts (2 of 4 stars). 3 submissions from 3 submitters: Likely benign (3). Last evaluated 2025-10-09.

Conditions:
Oligodontia-cancer predisposition syndrome. Also called: TOOTH AGENESIS-COLORECTAL CANCER SYNDROME. Identifiers: Orphanet 300576, MedGen C1837750, MONDO:0012075, OMIM 608615. Disease mechanism: loss of function.

Allele frequency attached by ClinVar (database versions not stated): gnomAD exomes below 0.00001 and 0.00001; TOPMed below 0.00001; ExAC 0.00001; gnomAD 0.00001.
gnomAD v4.1: 10 of 1,614,044 alleles (0.00062%); highest among the groups gnomAD compares: Non-Finnish European, 0.00076%; no homozygotes.

Submissions (3):

Labcorp Genetics (formerly Invitae), Labcorp
Classification: Likely benign for Oligodontia-cancer predisposition syndrome. Last evaluated: 2025-10-09. Review status: criteria provided, single submitter. Criteria: Invitae Variant Classification Sherloc (09022015). Collection method: clinical testing. Allele origin: germline.

Myriad Genetics, Inc.
Classification: Likely benign for Oligodontia-cancer predisposition syndrome. Last evaluated: 2024-07-10. Review status: criteria provided, single submitter. Criteria: Myriad Autosomal Dominant, Autosomal Recessive and X-Linked Classification Criteria (2023). Collection method: clinical testing. Allele origin: unknown.
Comment: This variant is considered likely benign. This variant is intronic and is not expected to impact mRNA splicing.

GeneDx
Classification: Likely benign. Last evaluated: 2017-04-21. Review status: criteria provided, single submitter. Criteria: GeneDx Variant Classification (06012015). Collection method: clinical testing. Allele origin: germline. Affected: yes.
Comment: This variant is considered likely benign or benign based on one or more of the following criteria: it is a conservative change, it occurs at a poorly conserved position in the protein, it is predicted to be benign by multiple in silico algorithms, and/or has population frequency not consistent with disease.

NM_004655.4(AXIN2):c.2238-18A>G

Gene: AXIN2 (axin 2; minus strand). Cytogenetic location: 17q24.1.
Variant type: single nucleotide variant.
Coding change: c.2238-18A>G on transcript NM_004655.4 (MANE Select); 18 bases into the intron before coding-DNA position 2238, A replaced by G.
Molecular consequence: intron variant.
Genome position (GRCh38, 1-based): chr17:65,534,097, T>C on the plus strand (A>G on the coding strand, the complement: AXIN2 is on the minus strand). VCF-style: chr17-65534097-T-C. GRCh37 (hg19) VCF-style: chr17-63530215-T-C.
Other names: c.2238-18A>G (LRG_296t1); c.2043-18A>G (NM_001363813.1).
Identifiers: ClinVar variation 509104 (VCV000509104.9), dbSNP rs764132850, ClinGen allele CA8718347.